The following is an entry in ClinVar:

ClinVar aggregate classification (germline): Uncertain significance (1 of 4 stars; one submission).

Conditions:
Cardiovascular phenotype. Identifiers: MedGen CN230736.

Submission:

Molecular Diagnostic Laboratory for Inherited Cardiovascular Disease, Montreal Heart Institute
Classification: Uncertain significance for Cardiovascular phenotype. Last evaluated: 2025-04-09. Review status: criteria provided, single submitter. Criteria: ACMG Guidelines, 2015. Collection method: clinical testing. Allele origin: germline. Affected: yes.
Comment: PM2

NM_198060.4(NRAP):c.3889C>T (p.Arg1297Trp)

Gene: NRAP (nebulin related anchoring protein; minus strand). Cytogenetic location: 10q25.3.
Variant type: single nucleotide variant.
Coding change: c.3889C>T on transcript NM_198060.4 (MANE Select); coding-DNA position 3889, C replaced by T.
Protein change: p.Arg1297Trp; replaces arginine 1297 with tryptophan.
Molecular consequence: missense variant.
Genome position (GRCh38, 1-based): chr10:113,605,788, G>A on the plus strand (C>T on the coding strand, the complement: NRAP is on the minus strand). VCF-style: chr10-113605788-G-A. GRCh37 (hg19) VCF-style: chr10-115365547-G-A.
Other names: c.3889C>T, p.Arg1297Trp (NM_001261463.2); c.3781C>T, p.Arg1261Trp (NM_001322945.2); c.3784C>T, p.Arg1262Trp (NM_006175.5); short protein forms R1261W, R1262W, R1297W.
Identifiers: ClinVar variation 3895319 (VCV003895319.1), dbSNP rs767886812.
Genomic context (GRCh38, chr10:113,605,788, plus strand): 5'-TAGGCAAGATGGAAGGTCATATCATTCAACTCACATCACTGGCTATATCTCCAGAGGCCC[G>A]GGCAGCCTGGAAGGGGAGCGCTTCTATTGTCAGCTTGTAGCCTTGAGCACGAAGATTACG-3'
Protein context (NP_932326.2, residues 1287-1307): TIEALPFQAA[Arg1297Trp]ASGDIASDFL